The following is an entry in ClinVar:

ClinVar aggregate classification (germline): Uncertain significance. Review status: reviewed by expert panel (3 of 4 stars). 2 submissions from 2 submitters: Uncertain significance (1). 1 of the submissions does not count toward it. Last evaluated 2024-07-17.

Conditions:
Hereditary thrombocytopenia and hematological cancer predisposition syndrome associated with RUNX1. Also called: Familial Platelet Disorder with Propensity to Acute Myelogenous Leukemia; Familial thrombocytopenia with propensity to acute myelogenous leukemia; PLATELET DISORDER, ASPIRIN-LIKE; RUNX1 Familial Platelet Disorder with Associated Myeloid Malignancies. Identifiers: Orphanet 71290, MedGen C1832388, MeSH C563324, MONDO:0100083, OMIM 601399.
Hereditary thrombocytopenia and hematologic cancer predisposition syndrome. Identifiers: Orphanet 71290, MedGen CN281654, MONDO:0011071.

Submissions (2):

ClinGen Myeloid Malignancy Variant Curation Expert Panel
Classification: Uncertain significance for Hereditary thrombocytopenia and hematologic cancer predisposition syndrome. Last evaluated: 2024-07-17. Review status: reviewed by expert panel. Criteria: ClinGen MyeloMalig ACMG Specifications v2. Collection method: curation. Allele origin: germline. Inheritance: Autosomal dominant inheritance.
Comment: NM_001754.5(RUNX1):c.1264G>A (p.Glu422Lys) is a missense variant in exon 9. This variant is absent from gnomAD v2.1.1 and v3.1.2 (PM2_Supporting). The REVEL prediction score is 0.12, which is below the threshold for pathogenicity (<0.50), and SpliceAI does not predict an impact on splicing (BP4). In summary, the clinical significance of this variant is uncertain. ACMG/AMP criteria applied, as specified by the Myeloid Malignancy Variant Curation Expert Panel for RUNX1: BP4, PM2_Supporting.

Labcorp Genetics (formerly Invitae), Labcorp
Classification: Uncertain significance for Hereditary thrombocytopenia and hematological cancer predisposition syndrome associated with RUNX1. Last evaluated: 2025-05-05. Review status: criteria provided, single submitter. Criteria: Invitae Variant Classification Sherloc (09022015). Collection method: clinical testing. Allele origin: germline. Not counted in ClinVar's aggregate classification.
Comment: This sequence change replaces glutamic acid, which is acidic and polar, with lysine, which is basic and polar, at codon 422 of the RUNX1 protein (p.Glu422Lys). This variant is not present in population databases (gnomAD no frequency). This variant has not been reported in the literature in individuals affected with RUNX1-related conditions. ClinVar contains an entry for this variant (Variation ID: 2002578). Invitae Evidence Modeling of protein sequence and biophysical properties (such as structural, functional, and spatial information, amino acid conservation, physicochemical variation, residue mobility, and thermodynamic stability) has been performed for this missense variant. However, the output from this modeling did not meet the statistical confidence thresholds required to predict the impact of this variant on RUNX1 protein function. In summary, the available evidence is currently insufficient to determine the role of this variant in disease. Therefore, it has been classified as a Variant of Uncertain Significance.

NM_001754.5(RUNX1):c.1264G>A (p.Glu422Lys)

Gene: RUNX1 (RUNX family transcription factor 1; minus strand). Cytogenetic location: 21q22.12.
Variant type: single nucleotide variant.
Coding change: c.1264G>A on transcript NM_001754.5 (MANE Select); coding-DNA position 1264, G replaced by A.
Protein change: p.Glu422Lys; replaces glutamic acid 422 with lysine.
Molecular consequence: missense variant.
Genome position (GRCh38, 1-based): chr21:34,792,314, C>T on the plus strand (G>A on the coding strand, the complement: RUNX1 is on the minus strand). VCF-style: chr21-34792314-C-T. GRCh37 (hg19) VCF-style: chr21-36164611-C-T.
Other names: NM_001754.5(RUNX1):c.1264G>A; p.Glu422Lys; c.1183G>A, p.Glu395Lys (NM_001001890.3); short protein forms E395K, E422K.
Identifiers: ClinVar variation 2002578 (VCV002002578.5), dbSNP rs2056451816, ClinGen allele CA410147592.